The following is an entry in ClinVar:

ClinVar aggregate classification (germline): Likely benign (1 of 4 stars; one submission).

Submission:

CeGaT Center for Human Genetics Tuebingen
Classification: Likely benign. Last evaluated: 2026-01-01. Review status: criteria provided, single submitter. Criteria: CeGaT Center For Human Genetics Tuebingen Variant Classification Criteria Version 2. Collection method: clinical testing. Allele origin: germline. Affected: yes. Observed: 1 variant allele.
Comment: SHANK2: PM2:Supporting, BP4, BP7

NM_012309.5(SHANK2):c.2388C>A (p.Thr796=)

Gene: SHANK2 (SH3 and multiple ankyrin repeat domains 2; minus strand). Cytogenetic location: 11q13.3.
Variant type: single nucleotide variant.
Coding change: c.2388C>A on transcript NM_012309.5 (MANE Select); coding-DNA position 2388, C replaced by A.
Protein change: p.Thr796=; no amino-acid change (threonine 796 retained).
Molecular consequence: synonymous variant. On other transcripts: non-coding transcript variant (1).
Genome position (GRCh38, 1-based): chr11:70,492,386, G>T on the plus strand (C>A on the coding strand, the complement: SHANK2 is on the minus strand). VCF-style: chr11-70492386-G-T. GRCh37 (hg19) VCF-style: chr11-70338491-G-T.
Other names: c.1251C>A, p.Thr417= (NM_001379226.1); c.2529C>A, p.Thr843= (NM_001441024.1); c.2358C>A, p.Thr786= (NM_001441025.1, NM_001441026.1, NM_001441027.1 and 11 more transcripts); c.2286C>A, p.Thr762= (NM_001441038.1); c.1221C>A, p.Thr407= (NM_001441040.1, NM_001441041.1); c.615C>A, p.Thr205= (NM_001441042.1); c.624C>A, p.Thr208= (NM_001441043.1, NM_133266.5); c.594C>A, p.Thr198= (NM_001441044.1, NM_001441045.1, NM_001441046.1); and 1 more.
Identifiers: ClinVar variation 4822526 (VCV004822526.4).